The following is an entry in ClinVar:

NM_000454.5(SOD1):c.229G>T (p.Asp77Tyr)

Gene: SOD1 (superoxide dismutase 1; plus strand). Cytogenetic location: 21q22.11.
Variant type: single nucleotide variant.
Coding change: c.229G>T on transcript NM_000454.5 (MANE Select); coding-DNA position 229, G replaced by T.
Protein change: p.Asp77Tyr; replaces aspartic acid 77 with tyrosine.
Molecular consequence: missense variant.
Genome position (GRCh38, 1-based): chr21:31,666,508, G>T. VCF-style: chr21-31666508-G-T. GRCh37 (hg19) VCF-style: chr21-33038821-G-T.
Other names: short protein forms D77Y.
Identifiers: ClinVar variation 805494 (VCV000805494.13), dbSNP rs1601157750, ClinGen allele CA410037333.

ClinVar aggregate classification (germline): Pathogenic/Likely pathogenic. Review status: criteria provided, multiple submitters, no conflicts (2 of 4 stars). 3 submissions from 3 submitters: Pathogenic (1); Likely pathogenic (2). Last evaluated 2025-04-01.

Conditions:
Amyotrophic lateral sclerosis type 1 (ALS1). Also called: AMYOTROPHIC LATERAL SCLEROSIS 1, FAMILIAL. Identifiers: Orphanet 803, MedGen C1862939, MONDO:0007103, OMIM 105400.

gnomAD v4.1: 3 of 1,610,712 alleles (0.00019%); highest among the groups gnomAD compares: Non-Finnish European, 0.00025%; no homozygotes.

Submissions (3):

CeGaT Center for Human Genetics Tuebingen
Classification: Likely pathogenic. Last evaluated: 2025-04-01. Review status: criteria provided, single submitter. Criteria: CeGaT Center For Human Genetics Tuebingen Variant Classification Criteria Version 2. Collection method: clinical testing. Allele origin: germline. Affected: yes. Observed: 1 variant allele.
Comment: SOD1: PS4, PM2, PM5

Labcorp Genetics (formerly Invitae), Labcorp
Classification: Pathogenic for Amyotrophic lateral sclerosis type 1. Last evaluated: 2021-12-02. Review status: criteria provided, single submitter. Criteria: Invitae Variant Classification Sherloc (09022015). Collection method: clinical testing. Allele origin: germline.
Comment: ClinVar contains an entry for this variant (Variation ID: 805494). This variant is also known as p.D76Y. This missense change has been observed in individuals with amyotrophic lateral sclerosis (PMID: 9365366, 18428003, 23286750, 25382069, 28430856). This variant is not present in population databases (gnomAD no frequency). This sequence change replaces aspartic acid, which is acidic and polar, with tyrosine, which is neutral and polar, at codon 77 of the SOD1 protein (p.Asp77Tyr). Advanced modeling of protein sequence and biophysical properties (such as structural, functional, and spatial information, amino acid conservation, physicochemical variation, residue mobility, and thermodynamic stability) performed at Invitae indicates that this missense variant is expected to disrupt SOD1 protein function. For these reasons, this variant has been classified as Pathogenic. This variant disrupts the p.Asp77 amino acid residue in SOD1. Other variant(s) that disrupt this residue have been determined to be pathogenic (PMID: 12215228; Invitae). This suggests that this residue is clinically significant, and that variants that disrupt this residue are likely to be disease-causing. Algorithms developed to predict the effect of sequence changes on RNA splicing suggest that this variant may create or strengthen a splice site. Experimental studies have shown that this missense change affects SOD1 function (PMID: 19635794, 20189984, 23280792).

Athena Diagnostics
Classification: Likely pathogenic. Last evaluated: 2019-01-14. Review status: criteria provided, single submitter. Criteria: Athena Diagnostics Criteria. Collection method: clinical testing. Allele origin: germline.
Comment: Not found in the total gnomAD dataset, and the data is high quality (0/250484 chr). Found in at least one symptomatic patient. Predicted to have a damaging effect on the protein. Damaging to protein function(s) relevant to disease mechanism.

Literature cited by the submitters: PubMed 9365366 (cited by Labcorp Genetics (formerly Invitae), Labcorp and Athena Diagnostics); PubMed 18428003 (cited by Labcorp Genetics (formerly Invitae), Labcorp and Athena Diagnostics); PubMed 23286750 (cited by Labcorp Genetics (formerly Invitae), Labcorp); PubMed 25382069 (cited by Labcorp Genetics (formerly Invitae), Labcorp and Athena Diagnostics); PubMed 28430856 (cited by Labcorp Genetics (formerly Invitae), Labcorp); PubMed 12215228 (cited by Labcorp Genetics (formerly Invitae), Labcorp); PubMed 19635794 (cited by Labcorp Genetics (formerly Invitae), Labcorp); PubMed 20189984 (cited by Labcorp Genetics (formerly Invitae), Labcorp and Athena Diagnostics); PubMed 23280792 (cited by Labcorp Genetics (formerly Invitae), Labcorp); PubMed 11854285 (cited by Athena Diagnostics); PubMed 19074999 (cited by Athena Diagnostics); PubMed 23291526 (cited by Athena Diagnostics).